The following is an entry in ClinVar:

NM_000179.3(MSH6):c.4002-5_4010dup

Gene: MSH6 (mutS homolog 6; plus strand). Cytogenetic location: 2p16.3.
Variant type: Duplication.
Coding change: c.4002-5_4010dup on transcript NM_000179.3 (MANE Select); 5 bases into the intron before coding-DNA position 4002 through coding-DNA position 4010, 14 bases duplicated (TTAAGGGAAGTTTG).
Molecular consequence: splice acceptor variant.
Genome position (GRCh38, 1-based): chr2:47,806,774-47,806,787, TTAAGGGAAGTTTG duplicated. VCF-style (leftmost placement, unchanged base first): chr2-47806773-T-TTTAAGGGAAGTTTG. GRCh37 (hg19) VCF-style: chr2-48033912-T-TTTAAGGGAAGTTTG.
Other names: c.4002-5_4010dupTTAAGGGAAGTTTG (NM_000179.2); c.3096-5_3104dup (NM_001281494.2, NM_001281493.2); c.3612-5_3620dup (NM_001281492.2).
Identifiers: ClinVar variation 234597 (VCV000234597.1), dbSNP rs876661108, ClinGen allele CA10577297.
Genomic context (GRCh38, chr2:47,806,773, plus strand): 5'-AAGGGGAAGGGATGATGCACTATGAAAAAACAAAAAAACTTTTTTTTTTTTTTTTTTAAT[T>TTTAAGGGAAGTTTG]TTAAGGGAAGTTTGCCTGGCTAGTGAAAGGTCAACTGTAGATGCTGAAGCTGTCCATAAA-3'

ClinVar aggregate classification (germline): Uncertain significance (1 of 4 stars; one submission).

Submission:

GeneDx
Classification: Uncertain significance. Last evaluated: 2015-11-05. Review status: criteria provided, single submitter. Criteria: GeneDx Variant Classification (06012015). Collection method: clinical testing. Allele origin: germline. Affected: yes.
Comment: This variant is denoted MSH6 c.4002-5_4010dup14 at the cDNA level and consists of a duplication of 14 nucleotides at the -5 position of intron 9 of the MSH6 gene. The normal sequence with the bases that are duplicated in braces is aatt[dup14]CCTG, where the capital letters are exonic and lowercase are intronic. MSH6 c.4002-5_4010dup14 was not observed in approximately 6,500 individuals of European and African American ancestry in the NHLBI Exome Sequencing Project, indicating it is not a common benign variant in these populations. This variant has not, to our knowledge, been published in the literature as pathogenic or benign. This variant has the potential to cause incorrect splicing, but in silico splicing models are uninformative. Therefore, based on currently available information, it is unclear whether MSH6 c.4002-5_4010dup14 is a pathogenic or benign variant. We consider it to be a variant of uncertain significance.